The following is an entry in ClinVar:

ClinVar aggregate classification (germline): Uncertain significance (1 of 4 stars; one submission).

gnomAD v4.1: 2 of 1,606,372 alleles (0.00012%); highest among the groups gnomAD compares: Non-Finnish European, 0.00017%; no homozygotes.

Submission:

Labcorp Genetics (formerly Invitae), Labcorp
Classification: Uncertain significance. Last evaluated: 2023-12-21. Review status: criteria provided, single submitter. Criteria: Invitae Variant Classification Sherloc (09022015). Collection method: clinical testing. Allele origin: germline.
Comment: This sequence change falls in intron 7 of the TRIM37 gene. It does not directly change the encoded amino acid sequence of the TRIM37 protein. It affects a nucleotide within the consensus splice site. This variant is not present in population databases (gnomAD no frequency). This variant has not been reported in the literature in individuals affected with TRIM37-related conditions. Variants that disrupt the consensus splice site are a relatively common cause of aberrant splicing (PMID: 17576681, 9536098). Algorithms developed to predict the effect of sequence changes on RNA splicing suggest that this variant may disrupt the consensus splice site. In summary, the available evidence is currently insufficient to determine the role of this variant in disease. Therefore, it has been classified as a Variant of Uncertain Significance.

Literature cited by the submitters: PubMed 17576681; PubMed 9536098.

NM_015294.6(TRIM37):c.617-3C>G

Gene: TRIM37 (tripartite motif containing 37; minus strand). Cytogenetic location: 17q22.
Variant type: single nucleotide variant.
Coding change: c.617-3C>G on transcript NM_015294.6 (MANE Select); 3 bases into the intron before coding-DNA position 617, C replaced by G.
Molecular consequence: intron variant.
Genome position (GRCh38, 1-based): chr17:59,075,717, G>C on the plus strand (C>G on the coding strand, the complement: TRIM37 is on the minus strand). VCF-style: chr17-59075717-G-C. GRCh37 (hg19) VCF-style: chr17-57153078-G-C.
Other names: c.617-3C>G (NM_001320989.3, NM_001005207.5, NM_001353086.2 and 2 more transcripts); c.155-3C>G (NM_001353085.2); c.515-3C>G (NM_001320987.3, NM_001353082.2); c.-136-3C>G (NM_001353083.2); c.251-3C>G (NM_001320990.3).
Identifiers: ClinVar variation 2972206 (VCV002972206.3), dbSNP rs1599380008, ClinGen allele CA2576337242.